The following is an entry in ClinVar:

NM_001370466.1(NOD2):c.950C>T (p.Ser317Phe)

Gene: NOD2 (nucleotide binding oligomerization domain containing 2; plus strand). Cytogenetic location: 16q12.1.
Variant type: single nucleotide variant.
Coding change: c.950C>T on transcript NM_001370466.1 (MANE Select); coding-DNA position 950, C replaced by T.
Protein change: p.Ser317Phe; replaces serine 317 with phenylalanine.
Molecular consequence: missense variant. On other transcripts: non-coding transcript variant (1).
Genome position (GRCh38, 1-based): chr16:50,710,942, C>T. VCF-style: chr16-50710942-C-T. GRCh37 (hg19) VCF-style: chr16-50744853-C-T.
Other names: c.1031C>T (LRG_177t1); c.950C>T, p.Ser317Phe (NM_001293557.2); c.1031C>T, p.Ser344Phe (NM_022162.3); short protein forms S344F, S317F.
Identifiers: ClinVar variation 103116 (VCV000103116.2), dbSNP rs199475912, ClinGen allele CA230137.

ClinVar aggregate classification (germline): not provided (0 of 4 stars; one submission).

Allele frequency attached by ClinVar (database versions not stated): gnomAD 0.00001.
gnomAD v4.1: 1 of 1,614,232 alleles (0.000062%); highest among the groups gnomAD compares: African/African-American, 0.0013%; no homozygotes.

Submission:

Human Evolutionary Genetics, Institut Pasteur
No classification provided. Review status: no classification provided. Collection method: not provided. Allele origin: germline.
ClinVar note: Converted during submission from untested to not provided.